The following is an entry in ClinVar:

ClinVar aggregate classification (germline): Uncertain significance. Review status: criteria provided, multiple submitters, no conflicts (2 of 4 stars). 2 submissions from 2 submitters: Uncertain significance (2). Last evaluated 2025-05-01.

Conditions:
Cardiovascular phenotype. Identifiers: MedGen CN230736.
Brugada syndrome. Also called: Sudden unexpected nocturnal death syndrome; Sudden Unexplained Death Syndrome; Sudden Unexplained Nocturnal Death Syndrome (SUNDS); Sudden unexplained nocturnal death syndrome. Identifiers: Orphanet 130, MedGen C1142166, MONDO:0015263.

Submissions (2):

Labcorp Genetics (formerly Invitae), Labcorp
Classification: Uncertain significance for Brugada syndrome. Last evaluated: 2025-05-01. Review status: criteria provided, single submitter. Criteria: Invitae Variant Classification Sherloc (09022015). Collection method: clinical testing. Allele origin: germline.
Comment: This sequence change replaces glycine, which is neutral and non-polar, with arginine, which is basic and polar, at codon 1955 of the SCN10A protein (p.Gly1955Arg). This variant is not present in population databases (gnomAD no frequency). This variant has not been reported in the literature in individuals affected with SCN10A-related conditions. ClinVar contains an entry for this variant (Variation ID: 2413826). Invitae Evidence Modeling of protein sequence and biophysical properties (such as structural, functional, and spatial information, amino acid conservation, physicochemical variation, residue mobility, and thermodynamic stability) indicates that this missense variant is not expected to disrupt SCN10A protein function with a negative predictive value of 95%. In summary, the available evidence is currently insufficient to determine the role of this variant in disease. Therefore, it has been classified as a Variant of Uncertain Significance.

Ambry Genetics
Classification: Uncertain significance for Cardiovascular phenotype. Last evaluated: 2024-02-16. Review status: criteria provided, single submitter. Criteria: Ambry Variant Classification Scheme 2023. Collection method: clinical testing. Allele origin: germline.
Comment: The p.G1955R variant (also known as c.5863G>A), located in coding exon 27 of the SCN10A gene, results from a G to A substitution at nucleotide position 5863. The glycine at codon 1955 is replaced by arginine, an amino acid with dissimilar properties. This amino acid position is conserved. In addition, the in silico prediction for this alteration is inconclusive. Based on the available evidence, the clinical significance of this alteration remains unclear.

NM_006514.4(SCN10A):c.5863G>A (p.Gly1955Arg)

Gene: SCN10A (sodium voltage-gated channel alpha subunit 10; minus strand). Cytogenetic location: 3p22.2.
Variant type: single nucleotide variant.
Coding change: c.5863G>A on transcript NM_006514.4 (MANE Select); coding-DNA position 5863, G replaced by A.
Protein change: p.Gly1955Arg; replaces glycine 1955 with arginine.
Molecular consequence: missense variant.
Genome position (GRCh38, 1-based): chr3:38,697,357, C>T on the plus strand (G>A on the coding strand, the complement: SCN10A is on the minus strand). VCF-style: chr3-38697357-C-T. GRCh37 (hg19) VCF-style: chr3-38738848-C-T.
Other names: c.5860G>A, p.Gly1954Arg (NM_001293306.2); c.5569G>A, p.Gly1857Arg (NM_001293307.2); c.5863G>A (NM_006514.2); short protein forms G1955R, G1954R, G1857R.
Identifiers: ClinVar variation 2413826 (VCV002413826.7), dbSNP rs1575913891, ClinGen allele CA352152190.